The following is an entry in ClinVar:

ClinVar aggregate classification (germline): Uncertain significance (1 of 4 stars; one submission).

Conditions:
Severe combined immunodeficiency, autosomal recessive, T cell-negative, B cell-negative, NK cell-positive. Also called: SCID, T CELL-NEGATIVE, B CELL-NEGATIVE, NK CELL-POSITIVE; SCID, AR, T-cell negative, B-cell negative, NK cell-positive; Severe combined immunodeficiency due to complete RAG1/2 deficiency. Identifiers: Orphanet 331206, MedGen C1832322, MONDO:0011086, OMIM 601457.
Combined immunodeficiency with skin granulomas. Identifiers: Orphanet 157949, MedGen C2673536, MONDO:0009306, OMIM 233650.

Allele frequency attached by ClinVar (database versions not stated): ExAC 0.00001; gnomAD exomes 0.00001; TOPMed 0.00001.
gnomAD v4.1: 8 of 1,614,228 alleles (0.0005%); highest among the groups gnomAD compares: South Asian, 0.0088%; 1 homozygote.

Submission:

Labcorp Genetics (formerly Invitae), Labcorp
Classification: Uncertain significance for Combined immunodeficiency with skin granulomas; Severe combined immunodeficiency, autosomal recessive, T cell-negative, B cell-negative, NK cell-positive. Last evaluated: 2020-10-20. Review status: criteria provided, single submitter. Criteria: Invitae Variant Classification Sherloc (09022015). Collection method: clinical testing. Allele origin: germline.
Comment: This variant has not been reported in the literature in individuals with RAG1-related conditions. This sequence change replaces alanine with glycine at codon 740 of the RAG1 protein (p.Ala740Gly). The alanine residue is highly conserved and there is a small physicochemical difference between alanine and glycine. The frequency data for this variant in the population databases is considered unreliable, as metrics indicate poor data quality at this position in the ExAC database. Advanced modeling of protein sequence and biophysical properties (such as structural, functional, and spatial information, amino acid conservation, physicochemical variation, residue mobility, and thermodynamic stability) performed at Invitae indicates that this missense variant is expected to disrupt RAG1 protein function. In summary, the available evidence is currently insufficient to determine the role of this variant in disease. Therefore, it has been classified as a Variant of Uncertain Significance.

NM_000448.3(RAG1):c.2219C>G (p.Ala740Gly)

Gene: RAG1 (recombination activating 1; plus strand). Cytogenetic location: 11p12.
Variant type: single nucleotide variant.
Coding change: c.2219C>G on transcript NM_000448.3 (MANE Select); coding-DNA position 2219, C replaced by G.
Protein change: p.Ala740Gly; replaces alanine 740 with glycine.
Molecular consequence: missense variant.
Genome position (GRCh38, 1-based): chr11:36,575,523, C>G. VCF-style: chr11-36575523-C-G. GRCh37 (hg19) VCF-style: chr11-36597073-C-G.
Other names: c.2219C>G, p.Ala740Gly (NM_001377277.1, NM_001377278.1, NM_001377279.1 and 1 more transcripts); short protein forms A740G.
Identifiers: ClinVar variation 1018349 (VCV001018349.8), dbSNP rs762107952, ClinGen allele CA5950229.
Genomic context (GRCh38, chr11:36,575,523, plus strand): 5'-GCCTCGAGGCTTCTGGCTCAGTCTACATTTGTACTCTTTGTGATGCCACCCGTCTGGAAG[C>G]CTCTCAAAATCTTGTCTTCCACTCTATAACCAGAAGCCATGCTGAGAACCTGGAACGTTA-3'
Protein context (NP_000439.2, residues 730-750): CTLCDATRLE[Ala740Gly]SQNLVFHSIT